The following is an entry in ClinVar:

NM_001003722.2(GLE1):c.1894G>A (p.Ala632Thr)

Genes: GLE1 (GLE1 RNA export mediator; plus strand), LOC101929270 (uncharacterized LOC101929270; minus strand). Cytogenetic location: 9q34.11.
Variant type: single nucleotide variant.
Coding change: c.1894G>A on transcript NM_001003722.2 (MANE Select); coding-DNA position 1894, G replaced by A.
Protein change: p.Ala632Thr; replaces alanine 632 with threonine.
Molecular consequence: missense variant.
Genome position (GRCh38, 1-based): chr9:128,539,628, G>A. VCF-style: chr9-128539628-G-A. GRCh37 (hg19) VCF-style: chr9-131301907-G-A.
Other names: c.1894G>A, p.Ala632Thr (NM_001499.2); short protein forms A632T.
Identifiers: ClinVar variation 453063 (VCV000453063.4), dbSNP rs1392638751, ClinGen allele CA375045771.

ClinVar aggregate classification (germline): Uncertain significance (1 of 4 stars; one submission).

Allele frequency attached by ClinVar (database versions not stated): gnomAD 0.00001.

Submission:

GeneDx
Classification: Uncertain significance. Last evaluated: 2019-07-16. Review status: criteria provided, single submitter. Criteria: GeneDx Variant Classification Process June 2021. Collection method: clinical testing. Allele origin: germline. Affected: yes.
Comment: In silico analysis, which includes protein predictors and evolutionary conservation, supports that this variant does not alter protein structure/function; Has not been previously published as pathogenic or benign to our knowledge